The following is an entry in ClinVar:

ClinVar aggregate classification (germline): Uncertain significance (1 of 4 stars; one submission).

Conditions:
Combined immunodeficiency due to DOCK8 deficiency (HIES2). Also called: HIES autosomal recessive; Hyper-IgE recurrent infection syndrome, autosomal recessive; HYPER-IgE RECURRENT INFECTION SYNDROME 2, AUTOSOMAL RECESSIVE; DOCK8 Deficiency; HYPER-IgE SYNDROME 2, AUTOSOMAL RECESSIVE, WITH RECURRENT INFECTIONS. Identifiers: Orphanet 217390, MedGen C4722305, MONDO:0009478, OMIM 243700.

Allele frequency attached by ClinVar (database versions not stated): gnomAD exomes below 0.00001.
gnomAD v4.1: 1 of 1,612,664 alleles (0.000062%); highest among the groups gnomAD compares: Admixed American, 0.0017%; no homozygotes.

Submission:

Labcorp Genetics (formerly Invitae), Labcorp
Classification: Uncertain significance for Combined immunodeficiency due to DOCK8 deficiency. Last evaluated: 2018-09-07. Review status: criteria provided, single submitter. Criteria: Invitae Variant Classification Sherloc (09022015). Collection method: clinical testing. Allele origin: germline.
Comment: This sequence change falls in intron 40 of the DOCK8 gene. It does not directly change the encoded amino acid sequence of the DOCK8 protein, but it affects a nucleotide within the consensus splice site of the intron. This variant is not present in population databases (ExAC no frequency). This variant has not been reported in the literature in individuals with DOCK8-related disease. Nucleotide substitutions within the consensus splice site are a relatively common cause of aberrant splicing (PMID: 17576681, 9536098). Algorithms developed to predict the effect of sequence changes on RNA splicing suggest that this variant may disrupt the consensus splice site, but this prediction has not been confirmed by published transcriptional studies. In summary, the available evidence is currently insufficient to determine the role of this variant in disease. Therefore, it has been classified as a Variant of Uncertain Significance.

Literature cited by the submitters: PubMed 17576681; PubMed 9536098.

NM_203447.4(DOCK8):c.5223+5G>T

Gene: DOCK8 (dedicator of cytokinesis 8; plus strand). Cytogenetic location: 9p24.3.
Variant type: single nucleotide variant.
Coding change: c.5223+5G>T on transcript NM_203447.4 (MANE Select); 5 bases into the intron after coding-DNA position 5223, G replaced by T.
Molecular consequence: intron variant.
Genome position (GRCh38, 1-based): chr9:439,393, G>T. VCF-style: chr9-439393-G-T. GRCh37 (hg19) VCF-style: chr9-439393-G-T.
Other names: c.5019+5G>T (NM_001193536.2); c.4923+5G>T (NM_001190458.2).
Identifiers: ClinVar variation 662398 (VCV000662398.7), dbSNP rs1253875512, ClinGen allele CA585883784.